The following is an entry in ClinVar:

NM_024675.4(PALB2):c.944T>C (p.Leu315Pro)

Gene: PALB2 (partner and localizer of BRCA2; minus strand). Cytogenetic location: 16p12.2.
Variant type: single nucleotide variant.
Coding change: c.944T>C on transcript NM_024675.4 (MANE Select); coding-DNA position 944, T replaced by C.
Protein change: p.Leu315Pro; replaces leucine 315 with proline.
Molecular consequence: missense variant. On other transcripts: intron variant (3).
Genome position (GRCh38, 1-based): chr16:23,635,602, A>G on the plus strand (T>C on the coding strand, the complement: PALB2 is on the minus strand). VCF-style: chr16-23635602-A-G. GRCh37 (hg19) VCF-style: chr16-23646923-A-G.
Other names: c.884T>C, p.Leu295Pro (NM_001407296.1); c.944T>C, p.Leu315Pro (NM_001407297.1, NM_001407298.1, NM_001407299.1 and 3 more transcripts); c.59T>C, p.Leu20Pro (NM_001407304.1, NM_001407305.1, NM_001407306.1 and 5 more transcripts); c.48+5508T>C (NM_001407314.1); c.-104-5133T>C (NM_001407313.1, NM_001407312.1); short protein forms L20P, L315P, L295P.
Identifiers: ClinVar variation 3885217 (VCV003885217.1).

ClinVar aggregate classification (germline): Uncertain significance (1 of 4 stars; one submission).

Conditions:
Hereditary cancer-predisposing syndrome. Also called: Tumor predisposition; Neoplastic Syndromes, Hereditary; Hereditary Cancer Syndrome; Hereditary neoplastic syndrome. Identifiers: Orphanet 140162, MedGen C0027672, MeSH D009386, MONDO:0015356.

Submission:

Ambry Genetics
Classification: Uncertain significance for Hereditary cancer-predisposing syndrome. Last evaluated: 2025-01-31. Review status: criteria provided, single submitter. Criteria: Ambry Variant Classification Scheme 2023. Collection method: clinical testing. Allele origin: germline.
Comment: The p.L315P variant (also known as c.944T>C), located in coding exon 4 of the PALB2 gene, results from a T to C substitution at nucleotide position 944. The leucine at codon 315 is replaced by proline, an amino acid with similar properties. This amino acid position is conserved. In addition, this alteration is predicted to be tolerated by in silico analysis. Based on the available evidence, the clinical significance of this variant remains unclear.